The following is an entry in ClinVar:

ClinVar aggregate classification (germline): Conflicting classifications of pathogenicity. Review status: criteria provided, conflicting classifications (1 of 4 stars). 4 submissions from 4 submitters: Pathogenic (1); Likely pathogenic (2); Uncertain significance (1). Last evaluated 2025-11-05.

Conditions:
KBG syndrome (KBGS). Also called: ANKRD11-Related KBG Syndrome. Identifiers: Orphanet 2332, MedGen C0220687, MONDO:0007846, OMIM 148050.
Inborn genetic diseases. Identifiers: MedGen C0950123, MeSH D030342.

Allele frequency attached by ClinVar (database versions not stated): TOPMed below 0.00001.

Submissions (4):

GeneDx
Classification: Likely pathogenic. Last evaluated: 2025-11-05. Review status: criteria provided, single submitter. Criteria: GeneDx Variant Classification Process June 2021. Collection method: clinical testing. Allele origin: germline. Affected: yes.
Comment: Published functional studies suggest reduced protein stability (PMID: 35833929); Not observed at significant frequency in large population cohorts (gnomAD); In silico analysis supports that this missense variant has a deleterious effect on protein structure/function; This variant is associated with the following publications: (PMID: 35833929)

Labcorp Genetics (formerly Invitae), Labcorp
Classification: Pathogenic for KBG syndrome. Last evaluated: 2024-09-17. Review status: criteria provided, single submitter. Criteria: Invitae Variant Classification Sherloc (09022015). Collection method: clinical testing. Allele origin: germline.
Comment: This sequence change replaces arginine, which is basic and polar, with histidine, which is basic and polar, at codon 2579 of the ANKRD11 protein (p.Arg2579His). This variant is not present in population databases (gnomAD no frequency). This missense change has been observed in individual(s) with ANKRD11-related conditions (internal data). In at least one individual the variant was observed to be de novo. ClinVar contains an entry for this variant (Variation ID: 1760376). Invitae Evidence Modeling of protein sequence and biophysical properties (such as structural, functional, and spatial information, amino acid conservation, physicochemical variation, residue mobility, and thermodynamic stability) indicates that this missense variant is expected to disrupt ANKRD11 protein function with a positive predictive value of 80%. Experimental studies have shown that this missense change affects ANKRD11 function (PMID: 35833929). For these reasons, this variant has been classified as Pathogenic.

Equipe Genetique des Anomalies du Developpement, Université de Bourgogne
Classification: Likely pathogenic for KBG syndrome. Last evaluated: 2023-01-12. Review status: criteria provided, single submitter. Criteria: ACMG Guidelines, 2015. Collection method: clinical testing. Allele origin: paternal. Affected: yes.

Ambry Genetics
Classification: Uncertain significance for Inborn genetic diseases. Last evaluated: 2019-06-28. Review status: criteria provided, single submitter. Criteria: Ambry Variant Classification Scheme 2023. Collection method: clinical testing. Allele origin: germline.
Comment: The p.R2579H variant (also known as c.7736G>A), located in coding exon 10 of the ANKRD11 gene, results from a G to A substitution at nucleotide position 7736. The arginine at codon 2579 is replaced by histidine, an amino acid with highly similar properties. This amino acid position is highly conserved in available vertebrate species. In addition, the in silico prediction for this alteration is inconclusive. Since supporting evidence is limited at this time, the clinical significance of this alteration remains unclear.

Literature cited by the submitters: PubMed 35833929 (cited by Labcorp Genetics (formerly Invitae), Labcorp).

NM_013275.6(ANKRD11):c.7736G>A (p.Arg2579His)

Gene: ANKRD11 (ankyrin repeat domain 11; minus strand). Cytogenetic location: 16q24.3.
Variant type: single nucleotide variant.
Coding change: c.7736G>A on transcript NM_013275.6 (MANE Select); coding-DNA position 7736, G replaced by A.
Protein change: p.Arg2579His; replaces arginine 2579 with histidine.
Molecular consequence: missense variant.
Genome position (GRCh38, 1-based): chr16:89,270,887, C>T on the plus strand (G>A on the coding strand, the complement: ANKRD11 is on the minus strand). VCF-style: chr16-89270887-C-T. GRCh37 (hg19) VCF-style: chr16-89337295-C-T.
Other names: c.7736G>A, p.Arg2579His (NM_001256182.2, NM_001256183.2); c.7736G>A (NM_013275.5); short protein forms R2579H.
Identifiers: ClinVar variation 1760376 (VCV001760376.11), dbSNP rs1250432793, ClinGen allele CA397146647.